The following is an entry in ClinVar:

NM_014140.4(SMARCAL1):c.1485+1G>A

Gene: SMARCAL1 (SNF2 related chromatin remodeling annealing helicase 1; plus strand). Cytogenetic location: 2q35.
Variant type: single nucleotide variant.
Coding change: c.1485+1G>A on transcript NM_014140.4 (MANE Select); the canonical splice donor site of the intron after coding-DNA position 1485, G replaced by A.
Molecular consequence: splice donor variant.
Genome position (GRCh38, 1-based): chr2:216,432,869, G>A. VCF-style: chr2-216432869-G-A. GRCh37 (hg19) VCF-style: chr2-217297592-G-A.
Other names: c.1485+1G>A (NM_001127207.2, NM_014140.3).
Identifiers: ClinVar variation 1523071 (VCV001523071.9), dbSNP rs772028268, ClinGen allele CA350500281.

ClinVar aggregate classification (germline): Likely pathogenic. Review status: criteria provided, multiple submitters, no conflicts (2 of 4 stars). 2 submissions from 2 submitters: Likely pathogenic (2). Last evaluated 2025-06-12.

Conditions:
Schimke immuno-osseous dysplasia (SIOD). Also called: Schimke Immunoosseous Dysplasia. Identifiers: Orphanet 1830, MedGen C0877024, MONDO:0009458, OMIM 242900.

Allele frequency attached by ClinVar (database versions not stated): gnomAD exomes 0.00001.
gnomAD v4.1: 3 of 1,614,192 alleles (0.00019%); highest among the groups gnomAD compares: Non-Finnish European, 0.00025%; no homozygotes.

Submissions (2):

Natera, Inc.
Classification: Likely pathogenic for Schimke immuno-osseous dysplasia. Last evaluated: 2025-06-12. Review status: criteria provided, single submitter. Criteria: Natera Variant Classification Schema (03/2026). Collection method: clinical testing. Allele origin: germline.
Comment: The c.1485+1G>A variant in SMARCAL1 is a canonical splice donor site variant predicted to affect pre-mRNA splicing, which may result in an abnormal transcript and altered protein product. This variant is expected to result in nonsense mediated decay, truncation, or a dysfunctional protein product. This variant is rare in the general population with a frequency below the threshold expected for the associated phenotype(s). Given the available evidence, this variant is classified as Likely Pathogenic.

Labcorp Genetics (formerly Invitae), Labcorp
Classification: Likely pathogenic for Schimke immuno-osseous dysplasia. Last evaluated: 2021-04-11. Review status: criteria provided, single submitter. Criteria: Invitae Variant Classification Sherloc (09022015). Collection method: clinical testing. Allele origin: germline.
Comment: In summary, the currently available evidence indicates that the variant is pathogenic, but additional data are needed to prove that conclusively. Therefore, this variant has been classified as Likely Pathogenic. Algorithms developed to predict the effect of sequence changes on RNA splicing suggest that this variant may disrupt the consensus splice site, but this prediction has not been confirmed by published transcriptional studies. This variant has not been reported in the literature in individuals with SMARCAL1-related conditions. This variant is not present in population databases (ExAC no frequency). This sequence change affects a donor splice site in intron 8 of the SMARCAL1 gene. It is expected to disrupt RNA splicing. Variants that disrupt the donor or acceptor splice site typically lead to a loss of protein function (PMID: 16199547), and loss-of-function variants in SMARCAL1 are known to be pathogenic (PMID: 11799392, 20301550).

Literature cited by the submitters: PubMed 16199547 (cited by Labcorp Genetics (formerly Invitae), Labcorp); PubMed 11799392 (cited by Labcorp Genetics (formerly Invitae), Labcorp); PubMed 20301550 (cited by Labcorp Genetics (formerly Invitae), Labcorp).